The following is an entry in ClinVar:

NM_053025.4(MYLK):c.1420C>G (p.Leu474Val)

Gene: MYLK (myosin light chain kinase; minus strand). Cytogenetic location: 3q21.1.
Variant type: single nucleotide variant.
Coding change: c.1420C>G on transcript NM_053025.4 (MANE Select); coding-DNA position 1420, C replaced by G.
Protein change: p.Leu474Val; replaces leucine 474 with valine.
Molecular consequence: missense variant. On other transcripts: intron variant (2).
Genome position (GRCh38, 1-based): chr3:123,732,992, G>C on the plus strand (C>G on the coding strand, the complement: MYLK is on the minus strand). VCF-style: chr3-123732992-G-C. GRCh37 (hg19) VCF-style: chr3-123451839-G-C.
Other names: c.892C>G, p.Leu298Val (NM_001321309.2); c.1420C>G, p.Leu474Val (NM_053027.4); c.1309+695C>G (NM_053028.4, NM_053026.4); short protein forms L474V, L298V.
Identifiers: ClinVar variation 2917082 (VCV002917082.3), dbSNP rs1413024663, ClinGen allele CA354237990.

ClinVar aggregate classification (germline): Uncertain significance (1 of 4 stars; one submission).

Conditions:
Aortic aneurysm, familial thoracic 7 (AAT7). Also called: AORTIC DISSECTION, FAMILIAL, WITH OR WITHOUT AORTIC ANEURYSM. Identifiers: MedGen C3151077, MONDO:0013418, OMIM 613780.

gnomAD v4.1: 3 of 1,614,234 alleles (0.00019%); highest among the groups gnomAD compares: Non-Finnish European, 0.00017%; no homozygotes.

Submission:

Labcorp Genetics (formerly Invitae), Labcorp
Classification: Uncertain significance for Aortic aneurysm, familial thoracic 7. Last evaluated: 2023-06-14. Review status: criteria provided, single submitter. Criteria: Invitae Variant Classification Sherloc (09022015). Collection method: clinical testing. Allele origin: germline.
Comment: In summary, the available evidence is currently insufficient to determine the role of this variant in disease. Therefore, it has been classified as a Variant of Uncertain Significance. Advanced modeling of protein sequence and biophysical properties (such as structural, functional, and spatial information, amino acid conservation, physicochemical variation, residue mobility, and thermodynamic stability) performed at Invitae indicates that this missense variant is not expected to disrupt MYLK protein function. This variant has not been reported in the literature in individuals affected with MYLK-related conditions. This variant is not present in population databases (gnomAD no frequency). This sequence change replaces leucine, which is neutral and non-polar, with valine, which is neutral and non-polar, at codon 474 of the MYLK protein (p.Leu474Val).